The following is an entry in ClinVar:

NM_000138.5(FBN1):c.6493G>T (p.Val2165Leu)

Gene: FBN1 (fibrillin 1; minus strand). Cytogenetic location: 15q21.1.
Variant type: single nucleotide variant.
Coding change: c.6493G>T on transcript NM_000138.5 (MANE Select); coding-DNA position 6493, G replaced by T.
Protein change: p.Val2165Leu; replaces valine 2165 with leucine.
Molecular consequence: missense variant.
Genome position (GRCh38, 1-based): chr15:48,436,964, C>A on the plus strand (G>T on the coding strand, the complement: FBN1 is on the minus strand). VCF-style: chr15-48436964-C-A. GRCh37 (hg19) VCF-style: chr15-48729161-C-A.
Other names: short protein forms V2165L.
Identifiers: ClinVar variation 495637 (VCV000495637.6), dbSNP rs200469438, ClinGen allele CA056847.

ClinVar aggregate classification (germline): Uncertain significance. Review status: criteria provided, multiple submitters, no conflicts (2 of 4 stars). 3 submissions from 3 submitters: Uncertain significance (3). Last evaluated 2024-07-02.

Conditions:
Familial thoracic aortic aneurysm and aortic dissection (TAAD). Also called: Thoracic aortic aneurysms and dissections. Identifiers: Orphanet 91387, MedGen C4707243, MONDO:0019625.
Aortic aneurysm, familial thoracic 6 (AAT6). Also called: FAMILIAL THORACIC AORTIC ANEURYSM WITH LIVEDO RETICULARIS AND IRIS FLOCCULI. Identifiers: MedGen C2673186, MONDO:0012730, OMIM 611788.

Allele frequency attached by ClinVar (database versions not stated): gnomAD exomes below 0.00001 and 0.00001; ExAC 0.00001; gnomAD 0.00001; 1000 Genomes Project 30x 0.00016; 1000 Genomes Project 0.00020.
gnomAD v4.1: 2 of 1,576,370 alleles (0.00013%); highest among the groups gnomAD compares: East Asian, 0.0045%; no homozygotes.

Submissions (3):

Women's Health and Genetics/Laboratory Corporation of America, LabCorp
Classification: Uncertain significance. Last evaluated: 2024-07-02. Review status: criteria provided, single submitter. Criteria: LabCorp Variant Classification Summary - May 2015. Collection method: clinical testing. Allele origin: germline.
Comment: Variant summary: FBN1 c.6493G>T (p.Val2165Leu) results in a conservative amino acid change located in the EGF-like domain 36 (IPR000742) of the encoded protein sequence. Four of five in-silico tools predict a benign effect of the variant on protein function. The variant allele was found at a frequency of 8e-06 in 250964 control chromosomes (gnomAD). The available data on variant occurrences in the general population are insufficient to allow any conclusion about variant significance. However, the variant has been also reported in the ChinaMAP database (PMID: 32355288) with a relatively high allele frequency (0.00024), therefore this report does not provide unequivocal conclusions about association of the variant with disease. To our knowledge, no experimental evidence demonstrating an impact on protein function has been reported. The following publication have been ascertained in the context of this evaluation (PMID: 36946977). ClinVar contains an entry for this variant (Variation ID: 495637). Based on the evidence outlined above, the variant was classified as uncertain significance.

Color Diagnostics, LLC DBA Color Health
Classification: Uncertain significance for Familial thoracic aortic aneurysm and aortic dissection. Last evaluated: 2022-05-10. Review status: criteria provided, single submitter. Criteria: ACMG Guidelines, 2015. Collection method: clinical testing. Allele origin: germline.
Comment: This missense variant replaces valine with leucine at codon 2165 of the FBN1 protein. Computational prediction suggests that this variant may not impact protein structure and function (internally defined REVEL score threshold <= 0.5, PMID: 27666373). To our knowledge, functional studies have not been reported for this variant. This variant has not been reported in individuals affected with cardiovascular disorders in the literature. This variant has been identified in 2/250964 chromosomes in the general population by the Genome Aggregation Database (gnomAD). The available evidence is insufficient to determine the role of this variant in disease conclusively. Therefore, this variant is classified as a Variant of Uncertain Significance.

Molecular Diagnostic Laboratory for Inherited Cardiovascular Disease, Montreal Heart Institute
Classification: Uncertain significance for Aortic aneurysm, familial thoracic 6. Last evaluated: 2019-10-25. Review status: criteria provided, single submitter. Criteria: ACMG Guidelines, 2015. Collection method: clinical testing. Allele origin: germline. Affected: yes.

Literature cited by the submitters: PubMed 36946977 (cited by Women's Health and Genetics/Laboratory Corporation of America, LabCorp).